The following is an entry in ClinVar:

ClinVar aggregate classification (germline): Benign. Review status: criteria provided, multiple submitters, no conflicts (2 of 4 stars). 4 submissions from 4 submitters: Benign (3). 1 of the submissions does not count toward it. Last evaluated 2026-02-03.

Conditions:
FAT2-related disorder. Also called: FAT2-related condition.
Spinocerebellar ataxia 45. Identifiers: Orphanet 589527, MedGen C4540400, MONDO:0033480, OMIM 617769.

Allele frequency attached by ClinVar (database versions not stated): TOPMed 0.71129; ExAC 0.76175; gnomAD 0.70200 and 0.70976; ESP Exome Variant Server 0.68076; gnomAD exomes 0.73477 and 0.76657; 1000 Genomes Project 30x 0.75750; 1000 Genomes Project 0.76458.
gnomAD v4.1: 1,182,777 of 1,613,792 alleles (73%); highest among the groups gnomAD compares: East Asian, 95%; 436,490 homozygotes.

Submissions (4):

Labcorp Genetics (formerly Invitae), Labcorp
Classification: Benign. Last evaluated: 2026-02-03. Review status: criteria provided, single submitter. Criteria: Invitae Variant Classification Sherloc (09022015). Collection method: clinical testing. Allele origin: germline.

Genome-Nilou Lab
Classification: Benign for Spinocerebellar ataxia 45. Last evaluated: 2021-08-10. Review status: criteria provided, single submitter. Criteria: ACMG Guidelines, 2015. Collection method: clinical testing. Allele origin: germline. Affected: no.

GeneDx
Classification: Benign. Last evaluated: 2018-10-01. Review status: criteria provided, single submitter. Criteria: GeneDx Variant Classification Process June 2021. Collection method: clinical testing. Allele origin: germline. Affected: yes.

PreventionGenetics, part of Exact Sciences
Classification: Benign for FAT2-related condition. Last evaluated: 2019-07-08. Review status: no assertion criteria provided. Collection method: clinical testing. Allele origin: germline. Not counted in ClinVar's aggregate classification.
Comment: This variant is classified as benign based on ACMG/AMP sequence variant interpretation guidelines (Richards et al. 2015 PMID: 25741868, with internal and published modifications).

NM_001447.3(FAT2):c.10854C>T (p.Tyr3618=)

Genes: SLC36A1 (solute carrier family 36 member 1; plus strand), FAT2 (FAT atypical cadherin 2; minus strand). Cytogenetic location: 5q33.1.
Variant type: single nucleotide variant.
Coding change: c.10854C>T on transcript NM_001447.3 (MANE Select); coding-DNA position 10854, C replaced by T.
Protein change: p.Tyr3618=; no amino-acid change (tyrosine 3618 retained).
Molecular consequence: synonymous variant.
Genome position (GRCh38, 1-based): chr5:151,521,739, G>A on the plus strand (C>T on the coding strand, the complement: FAT2 is on the minus strand). VCF-style: chr5-151521739-G-A. GRCh37 (hg19) VCF-style: chr5-150901300-G-A.
Identifiers: ClinVar variation 1225536 (VCV001225536.11), dbSNP rs3734046, ClinGen allele CA3520143.